The following is an entry in ClinVar:

ClinVar aggregate classification (germline): Likely benign. Review status: criteria provided, multiple submitters, no conflicts (2 of 4 stars). 2 submissions from 2 submitters: Likely benign (2). Last evaluated 2025-06-03.

Conditions:
Tuberous sclerosis 2 (TSC2). Identifiers: Orphanet 805, MedGen C1860707, MONDO:0013199, OMIM 613254.

Submissions (2):

Myriad Genetics, Inc.
Classification: Likely benign for Tuberous sclerosis 2. Last evaluated: 2025-06-03. Review status: criteria provided, single submitter. Criteria: Myriad Autosomal Dominant, Autosomal Recessive and X-Linked Classification Criteria (2023). Collection method: clinical testing. Allele origin: unknown.
Comment: This variant is considered likely benign. This variant is intronic and is not expected to impact mRNA splicing.

Labcorp Genetics (formerly Invitae), Labcorp
Classification: Likely benign for Tuberous sclerosis 2. Last evaluated: 2024-07-31. Review status: criteria provided, single submitter. Criteria: Invitae Variant Classification Sherloc (09022015). Collection method: clinical testing. Allele origin: germline.

NM_000548.5(TSC2):c.4493+4G>A

Gene: TSC2 (TSC complex subunit 2; plus strand). Cytogenetic location: 16p13.3.
Variant type: single nucleotide variant.
Coding change: c.4493+4G>A on transcript NM_000548.5 (MANE Select); 4 bases into the intron after coding-DNA position 4493, G replaced by A.
Molecular consequence: intron variant.
Genome position (GRCh38, 1-based): chr16:2,084,719, G>A. VCF-style: chr16-2084719-G-A. GRCh37 (hg19) VCF-style: chr16-2134720-G-A.
Other names: c.3695+4G>A (NM_001406685.1, NM_001406686.1); c.3761+4G>A (NM_001318831.2); c.3692+4G>A (NM_001406688.1, NM_001406687.1); c.4235+4G>A (NM_001406677.1); c.4277+4G>A (NM_001406675.1); c.4274+4G>A (NM_001406676.1); c.4148+4G>A (NM_001318829.2); c.4145+4G>A (NM_001406679.1); and 26 more.
Identifiers: ClinVar variation 3628254 (VCV003628254.3).
Genomic context (GRCh38, chr16:2,084,719, plus strand): 5'-CTTAAAGAGCAGAGCCACAGCCTCCAATGCAGAGAAAGTGCCAGGCATCAACCCCAGGTG[G>A]GCCTCTTGCTTCCGGGCGGGGCTCCTGACACCTCTCCTGCGGGAACCTGGTGCCTCACTT-3'